The following is an entry in ClinVar:

NM_000350.3(ABCA4):c.1239+1G>C

Gene: ABCA4 (ATP binding cassette subfamily A member 4; minus strand). Cytogenetic location: 1p22.1.
Variant type: single nucleotide variant.
Coding change: c.1239+1G>C on transcript NM_000350.3 (MANE Select); the canonical splice donor site of the intron after coding-DNA position 1239, G replaced by C.
Molecular consequence: splice donor variant.
Genome position (GRCh38, 1-based): chr1:94,079,321, C>G on the plus strand (G>C on the coding strand, the complement: ABCA4 is on the minus strand). VCF-style: chr1-94079321-C-G. GRCh37 (hg19) VCF-style: chr1-94544877-C-G.
Identifiers: ClinVar variation 236079 (VCV000236079.54), dbSNP rs765707028, ClinGen allele CA958598.

ClinVar aggregate classification (germline): Pathogenic. Review status: criteria provided, multiple submitters, no conflicts (2 of 4 stars). 8 submissions from 7 submitters: Pathogenic (8). Last evaluated 2026-02-10.

Conditions:
ABCA4-related disorder. Also called: ABCA4-related disorders; ABCA4-related condition. Identifiers: MedGen CN239167.
Retinal dystrophy. Also called: Inherited retinal dystrophy. Identifiers: Orphanet 71862, MedGen C0854723, MeSH D058499, MONDO:0019118, HP:0000556.
Retinitis pigmentosa (RP). Identifiers: Orphanet 791, MedGen C0035334, MeSH D012174, MONDO:0019200, OMIM 268000. Inheritance: Autosomal dominant, autosomal recessive and X linked inheritance.
Severe early-childhood-onset retinal dystrophy (STGD1). Also called: MACULAR DYSTROPHY WITH FLECKS, TYPE 1; Stargardt macular dystrophy; Juvenile onset macular degeneration; Stargardt disease 1; STGD. Identifiers: Orphanet 364055, Orphanet 827, MedGen C1855465, MeSH D000080362, MONDO:0009549, OMIM 248200.

Allele frequency attached by ClinVar (database versions not stated): gnomAD exomes below 0.00001; ExAC 0.00001; gnomAD 0.00001.
gnomAD v4.1: 2 of 1,614,068 alleles (0.00012%); highest among the groups gnomAD compares: African/African-American, 0.0013%; no homozygotes.

Submissions (8):

GeneDx
Classification: Pathogenic. Last evaluated: 2026-02-10. Review status: criteria provided, single submitter. Criteria: GeneDx Variant Classification Process June 2021. Collection method: clinical testing. Allele origin: germline.
Comment: Canonical splice site variant shown to result in exon skipping in a gene for which loss of function is a known mechanism of disease (PMID: 28118664); Not observed at significant frequency in large population cohorts (gnomAD); This variant is associated with the following publications: (PMID: 35120629, 35260635, 36460718, 37734845, 32531858, 25525159, 35836572, 28118664, 35156991, 41234456, 28947085, 34315337, 31964843, 19265867)

Women's Health and Genetics/Laboratory Corporation of America, LabCorp
Classification: Pathogenic for Retinitis pigmentosa. Last evaluated: 2025-01-17. Review status: criteria provided, single submitter. Criteria: LabCorp Variant Classification Summary - May 2015. Collection method: clinical testing. Allele origin: germline.
Comment: Variant summary: ABCA4 c.1239+1G>C is located in a canonical splice-site and is predicted to affect mRNA splicing resulting in a significantly altered protein due to either exon skipping, shortening, or inclusion of intronic material. Variants that disrupt the consensus splice site are a relatively common cause of aberrant splicing and loss of ABCA4 function. Several computational tools predict a significant impact on normal splicing: Four predict the variant abolishes athe canonical 5' splicing donor site. At least one publication reports experimental evidence that this variant affects mRNA splicing by skipping exon 9 (Schulz_2017). The variant allele was found at a frequency of 4e-06 in 251456 control chromosomes. c.1239+1G>C has been reported in the literature in at-least two individuals affected with Retinitis Pigmentosa (Tanaka_2018,Weisschuh_2020) . These data indicate that the variant may be associated with disease. The following publications have been ascertained in the context of this evaluation (PMID: 28947085, 32531858, 28118664). ClinVar contains an entry for this variant (Variation ID: 236079). Based on the evidence outlined above, the variant was classified as pathogenic.

Labcorp Genetics (formerly Invitae), Labcorp
Classification: Pathogenic. Last evaluated: 2024-10-25. Review status: criteria provided, single submitter. Criteria: Invitae Variant Classification Sherloc (09022015). Collection method: clinical testing. Allele origin: germline.
Comment: This sequence change affects a donor splice site in intron 9 of the ABCA4 gene. It is expected to disrupt RNA splicing. Variants that disrupt the donor or acceptor splice site typically lead to a loss of protein function (PMID: 16199547), and loss-of-function variants in ABCA4 are known to be pathogenic (PMID: 10958761, 24938718, 25312043, 26780318). This variant is present in population databases (rs765707028, gnomAD 0.004%). Disruption of this splice site has been observed in individual(s) with Stargardt disease (PMID: 19265867, 28118664). ClinVar contains an entry for this variant (Variation ID: 236079). Studies have shown that disruption of this splice site alters mRNA splicing and is expected to lead to the loss of protein expression (PMID: 28118664). For these reasons, this variant has been classified as Pathogenic.

Blueprint Genetics
Classification: Pathogenic for ABCA4-related disorders. Last evaluated: 2024-03-21. Review status: criteria provided, single submitter. Criteria: ACMG Guidelines, 2015. Collection method: clinical testing. Allele origin: germline. Affected: yes. Observed: 2 variant alleles.

CeGaT Center for Human Genetics Tuebingen
Classification: Pathogenic. Last evaluated: 2022-12-01. Review status: criteria provided, single submitter. Criteria: CeGaT Center For Human Genetics Tuebingen Variant Classification Criteria Version 2. Collection method: clinical testing. Allele origin: germline. Affected: yes. Observed: 2 variant alleles.

Institute of Medical Genetics and Applied Genomics, University Hospital Tübingen
Classification: Pathogenic. Last evaluated: 2020-10-23. Review status: criteria provided, single submitter. Criteria: ACMG Guidelines, 2015. Collection method: clinical testing. Allele origin: germline. Inheritance: Autosomal recessive inheritance. Affected: yes.

Institute of Human Genetics, Univ. Regensburg, Univ. Regensburg
Classification: Pathogenic for Severe early-childhood-onset retinal dystrophy. Last evaluated: 2016-01-01. Review status: criteria provided, single submitter. Criteria: Schulz et al. (Invest Ophthalmol Vis Sci. 2017). Collection method: clinical testing, in vitro. Allele origin: germline, unknown. Affected: yes. Observed: 1 heterozygote. Functional consequence: sequence_variant_affecting_splicing.

Institute of Human Genetics, Univ. Regensburg, Univ. Regensburg
Classification: Pathogenic for Retinal dystrophy. Last evaluated: 2010-01-01. Review status: criteria provided, single submitter. Criteria: ACMG Guidelines, 2015. Collection method: clinical testing. Allele origin: germline. Affected: yes.

Literature cited by the submitters: PubMed 32531858 (cited by Women's Health and Genetics/Laboratory Corporation of America, LabCorp and Institute of Human Genetics, Univ. Regensburg, Univ. Regensburg); PubMed 28947085 (cited by Women's Health and Genetics/Laboratory Corporation of America, LabCorp and Institute of Human Genetics, Univ. Regensburg, Univ. Regensburg); PubMed 28118664 (cited by 3 submitters); PubMed 16199547 (cited by Labcorp Genetics (formerly Invitae), Labcorp); PubMed 10958761 (cited by Labcorp Genetics (formerly Invitae), Labcorp); PubMed 24938718 (cited by Labcorp Genetics (formerly Invitae), Labcorp); PubMed 25312043 (cited by Labcorp Genetics (formerly Invitae), Labcorp); PubMed 26780318 (cited by Labcorp Genetics (formerly Invitae), Labcorp); PubMed 19265867 (cited by Labcorp Genetics (formerly Invitae), Labcorp and Institute of Human Genetics, Univ. Regensburg, Univ. Regensburg); PubMed 25525159 (cited by Institute of Human Genetics, Univ. Regensburg, Univ. Regensburg); PubMed 31964843 (cited by Institute of Human Genetics, Univ. Regensburg, Univ. Regensburg); PubMed 34315337 (cited by Institute of Human Genetics, Univ. Regensburg, Univ. Regensburg); PubMed 35260635 (cited by Institute of Human Genetics, Univ. Regensburg, Univ. Regensburg); PubMed 36460718 (cited by Institute of Human Genetics, Univ. Regensburg, Univ. Regensburg); PubMed 35836572 (cited by Institute of Human Genetics, Univ. Regensburg, Univ. Regensburg).